The following is an entry in ClinVar:

NM_182914.3(SYNE2):c.16908G>A (p.Met5636Ile)

Gene: SYNE2 (spectrin repeat containing nuclear envelope protein 2; plus strand). Cytogenetic location: 14q23.2.
Variant type: single nucleotide variant.
Coding change: c.16908G>A on transcript NM_182914.3 (MANE Select); coding-DNA position 16908, G replaced by A.
Protein change: p.Met5636Ile; replaces methionine 5636 with isoleucine.
Molecular consequence: missense variant.
Genome position (GRCh38, 1-based): chr14:64,168,879, G>A. VCF-style: chr14-64168879-G-A. GRCh37 (hg19) VCF-style: chr14-64635597-G-A.
Other names: c.16908G>A, p.Met5636Ile (NM_015180.6); short protein forms M5636I.
Identifiers: ClinVar variation 2088694 (VCV002088694.4), dbSNP rs780292023, ClinGen allele CA7223541.

ClinVar aggregate classification (germline): Uncertain significance (1 of 4 stars; one submission).

Conditions:
Emery-Dreifuss muscular dystrophy 5, autosomal dominant (EDMD5). Also called: EMERY-DREIFUSS MUSCULAR DYSTROPHY 5. Identifiers: Orphanet 261, MedGen C2751805, MONDO:0013072, OMIM 612999.

Allele frequency attached by ClinVar (database versions not stated): TOPMed below 0.00001; ExAC 0.00001.

Submission:

Labcorp Genetics (formerly Invitae), Labcorp
Classification: Uncertain significance for Emery-Dreifuss muscular dystrophy 5, autosomal dominant. Last evaluated: 2022-07-12. Review status: criteria provided, single submitter. Criteria: Invitae Variant Classification Sherloc (09022015). Collection method: clinical testing. Allele origin: germline.
Comment: In summary, the available evidence is currently insufficient to determine the role of this variant in disease. Therefore, it has been classified as a Variant of Uncertain Significance. Algorithms developed to predict the effect of missense changes on protein structure and function output the following: SIFT: "Tolerated"; PolyPhen-2: "Benign"; Align-GVGD: "Class C0". The isoleucine amino acid residue is found in multiple mammalian species, which suggests that this missense change does not adversely affect protein function. This variant has not been reported in the literature in individuals affected with SYNE2-related conditions. This variant is not present in population databases (gnomAD no frequency). This sequence change replaces methionine, which is neutral and non-polar, with isoleucine, which is neutral and non-polar, at codon 5636 of the SYNE2 protein (p.Met5636Ile).